The following is an entry in ClinVar:

ClinVar aggregate classification (germline): Likely pathogenic (1 of 4 stars; one submission).

gnomAD v4.1: 9 of 1,614,112 alleles (0.00056%); highest among the groups gnomAD compares: Non-Finnish European, 0.00076%; no homozygotes.

Submission:

Labcorp Genetics (formerly Invitae), Labcorp
Classification: Likely pathogenic. Last evaluated: 2025-12-31. Review status: criteria provided, single submitter. Criteria: Invitae Variant Classification Sherloc (09022015). Collection method: clinical testing. Allele origin: germline.
Comment: This sequence change affects a donor splice site in intron 14 of the ABCA12 gene. It is expected to disrupt RNA splicing. Variants that disrupt the donor or acceptor splice site typically lead to a loss of protein function (PMID: 16199547), and loss-of-function variants in ABCA12 are known to be pathogenic (PMID: 20672373). This variant is not present in population databases (gnomAD no frequency). This variant has not been reported in the literature in individuals affected with ABCA12-related conditions. ClinVar contains an entry for this variant (Variation ID: 3001946). Algorithms developed to predict the effect of sequence changes on RNA splicing suggest that this variant may disrupt the consensus splice site. In summary, the currently available evidence indicates that the variant is pathogenic, but additional data are needed to prove that conclusively. Therefore, this variant has been classified as Likely Pathogenic.

Literature cited by the submitters: PubMed 16199547; PubMed 20672373.

NM_173076.3(ABCA12):c.1782+1G>T

Gene: ABCA12 (ATP binding cassette subfamily A member 12; minus strand). Cytogenetic location: 2q35.
Variant type: single nucleotide variant.
Coding change: c.1782+1G>T on transcript NM_173076.3 (MANE Select); the canonical splice donor site of the intron after coding-DNA position 1782, G replaced by T.
Molecular consequence: splice donor variant.
Genome position (GRCh38, 1-based): chr2:215,018,007, C>A on the plus strand (G>T on the coding strand, the complement: ABCA12 is on the minus strand). VCF-style: chr2-215018007-C-A. GRCh37 (hg19) VCF-style: chr2-215882731-C-A.
Other names: c.828+1G>T (NM_015657.4).
Identifiers: ClinVar variation 3001946 (VCV003001946.3), dbSNP rs2469335003, ClinGen allele CA350446413.